The following is an entry in ClinVar:

ClinVar aggregate classification (germline): Uncertain significance. Review status: criteria provided, multiple submitters, no conflicts (2 of 4 stars). 2 submissions from 2 submitters: Uncertain significance (2). Last evaluated 2025-07-16.

Conditions:
Inborn genetic diseases. Identifiers: MedGen C0950123, MeSH D030342.

Allele frequency attached by ClinVar (database versions not stated): gnomAD exomes 0.00001; TOPMed 0.00001; ExAC 0.00002.
gnomAD v4.1: 15 of 1,612,588 alleles (0.00093%); highest among the groups gnomAD compares: Admixed American, 0.0083%; no homozygotes.

Submissions (2):

Ambry Genetics
Classification: Uncertain significance for Inborn genetic diseases. Last evaluated: 2025-07-16. Review status: criteria provided, single submitter. Criteria: Ambry Variant Classification Scheme 2023. Collection method: clinical testing. Allele origin: germline.

CeGaT Center for Human Genetics Tuebingen
Classification: Uncertain significance. Last evaluated: 2023-10-01. Review status: criteria provided, single submitter. Criteria: CeGaT Center For Human Genetics Tuebingen Variant Classification Criteria Version 2. Collection method: clinical testing. Allele origin: germline. Affected: yes. Observed: 1 variant allele.
Comment: ATP6V0A1: PM2, BP4

NM_001130021.3(ATP6V0A1):c.1688A>G (p.Lys563Arg)

Gene: ATP6V0A1 (ATPase H+ transporting V0 subunit a1; plus strand). Cytogenetic location: 17q21.2.
Variant type: single nucleotide variant.
Coding change: c.1688A>G on transcript NM_001130021.3 (MANE Select); coding-DNA position 1688, A replaced by G.
Protein change: p.Lys563Arg; replaces lysine 563 with arginine.
Molecular consequence: missense variant.
Genome position (GRCh38, 1-based): chr17:42,500,715, A>G. VCF-style: chr17-42500715-A-G. GRCh37 (hg19) VCF-style: chr17-40652733-A-G.
Other names: c.1478A>G, p.Lys493Arg (NM_001378554.1, NM_001378555.1, NM_001378545.1); c.1580A>G, p.Lys527Arg (NM_001378556.1, NM_001378536.1, NM_001378550.1); c.1688A>G, p.Lys563Arg (NM_001378557.1, NM_005177.5, NM_001378535.1 and 3 more transcripts); c.1709A>G, p.Lys570Arg (NM_001130020.3, NM_001378522.1, NM_001378523.1 and 3 more transcripts); c.1811A>G, p.Lys604Arg (NM_001378530.1, NM_001378533.1, NM_001378551.1 and 1 more transcripts); c.1832A>G, p.Lys611Arg (NM_001378531.1, NM_001378532.1); c.1559A>G, p.Lys520Arg (NM_001378538.1, NM_001378540.1); c.1529A>G, p.Lys510Arg (NM_001378543.1, NM_001378553.1); and 4 more; short protein forms K481R, K492R, K493R, K503R, K510R, K520R, K527R, K563R.
Identifiers: ClinVar variation 2647788 (VCV002647788.25), dbSNP rs769677289, ClinGen allele CA8576409.